The following is an entry in ClinVar:

ClinVar aggregate classification (germline): Uncertain significance. Review status: criteria provided, multiple submitters, no conflicts (2 of 4 stars). 2 submissions from 2 submitters: Uncertain significance (2). Last evaluated 2025-06-07.

Conditions:
Adams-Oliver syndrome 5 (AOS5). Identifiers: Orphanet 974, MedGen C4014970, MONDO:0014459, OMIM 616028.
Familial thoracic aortic aneurysm and aortic dissection (TAAD). Also called: Thoracic aortic aneurysms and dissections. Identifiers: Orphanet 91387, MedGen C4707243, MONDO:0019625.

Allele frequency attached by ClinVar (database versions not stated): gnomAD 0.00001; gnomAD exomes 0.00001; TOPMed 0.00001.
gnomAD v4.1: 20 of 1,560,822 alleles (0.0013%); highest among the groups gnomAD compares: East Asian, 0.026%; no homozygotes.

Submissions (2):

Ambry Genetics
Classification: Uncertain significance for Familial thoracic aortic aneurysm and aortic dissection. Last evaluated: 2025-06-07. Review status: criteria provided, single submitter. Criteria: Ambry Variant Classification Scheme 2023. Collection method: clinical testing. Allele origin: germline.

Labcorp Genetics (formerly Invitae), Labcorp
Classification: Uncertain significance for Adams-Oliver syndrome 5. Last evaluated: 2025-03-11. Review status: criteria provided, single submitter. Criteria: Invitae Variant Classification Sherloc (09022015). Collection method: clinical testing. Allele origin: germline.
Comment: This sequence change replaces threonine, which is neutral and polar, with methionine, which is neutral and non-polar, at codon 1014 of the NOTCH1 protein (p.Thr1014Met). This variant is not present in population databases (gnomAD no frequency). This variant has not been reported in the literature in individuals affected with NOTCH1-related conditions. ClinVar contains an entry for this variant (Variation ID: 1799165). Invitae Evidence Modeling of protein sequence and biophysical properties (such as structural, functional, and spatial information, amino acid conservation, physicochemical variation, residue mobility, and thermodynamic stability) indicates that this missense variant is not expected to disrupt NOTCH1 protein function with a negative predictive value of 80%. In summary, the available evidence is currently insufficient to determine the role of this variant in disease. Therefore, it has been classified as a Variant of Uncertain Significance.

NM_017617.5(NOTCH1):c.3041C>T (p.Thr1014Met)

Gene: NOTCH1 (notch receptor 1; minus strand). Cytogenetic location: 9q34.3.
Variant type: single nucleotide variant.
Coding change: c.3041C>T on transcript NM_017617.5 (MANE Select); coding-DNA position 3041, C replaced by T.
Protein change: p.Thr1014Met; replaces threonine 1014 with methionine.
Molecular consequence: missense variant.
Genome position (GRCh38, 1-based): chr9:136,509,000, G>A on the plus strand (C>T on the coding strand, the complement: NOTCH1 is on the minus strand). VCF-style: chr9-136509000-G-A. GRCh37 (hg19) VCF-style: chr9-139403452-G-A.
Other names: short protein forms T1014M.
Identifiers: ClinVar variation 1799165 (VCV001799165.4), dbSNP rs1393225618, ClinGen allele CA375552939.